The following is an entry in ClinVar:

NM_018699.4(PRDM5):c.260A>G (p.Glu87Gly)

Gene: PRDM5 (PR/SET domain 5; minus strand). Cytogenetic location: 4q27.
Variant type: single nucleotide variant.
Coding change: c.260A>G on transcript NM_018699.4 (MANE Select); coding-DNA position 260, A replaced by G.
Protein change: p.Glu87Gly; replaces glutamic acid 87 with glycine.
Molecular consequence: missense variant.
Genome position (GRCh38, 1-based): chr4:120,853,458, T>C on the plus strand (A>G on the coding strand, the complement: PRDM5 is on the minus strand). VCF-style: chr4-120853458-T-C. GRCh37 (hg19) VCF-style: chr4-121774613-T-C.
Other names: c.260A>G, p.Glu87Gly (NM_001300823.2, NM_001300824.2, NM_001379104.1 and 1 more transcripts); short protein forms E87G.
Identifiers: ClinVar variation 3309798 (VCV003309798.1).

ClinVar aggregate classification (germline): Uncertain significance (1 of 4 stars; one submission).

Conditions:
Cardiovascular phenotype. Identifiers: MedGen CN230736.

gnomAD v4.1: 4 of 1,613,746 alleles (0.00025%); highest among the groups gnomAD compares: East Asian, 0.0067%; no homozygotes.

Submission:

Ambry Genetics
Classification: Uncertain significance for Cardiovascular phenotype. Last evaluated: 2024-03-27. Review status: criteria provided, single submitter. Criteria: Ambry Variant Classification Scheme 2023. Collection method: clinical testing. Allele origin: germline.
Comment: The p.E87G variant (also known as c.260A>G), located in coding exon 3 of the PRDM5 gene, results from an A to G substitution at nucleotide position 260. The glutamic acid at codon 87 is replaced by glycine, an amino acid with similar properties. This amino acid position is conserved. In addition, the in silico prediction for this alteration is inconclusive. Based on the available evidence, the clinical significance of this alteration remains unclear.